The following is an entry in ClinVar:

ClinVar aggregate classification (germline): Uncertain significance (1 of 4 stars; one submission).

Submission:

Labcorp Genetics (formerly Invitae), Labcorp
Classification: Uncertain significance. Last evaluated: 2022-03-13. Review status: criteria provided, single submitter. Criteria: Invitae Variant Classification Sherloc (09022015). Collection method: clinical testing. Allele origin: germline.
Comment: This sequence change replaces glycine, which is neutral and non-polar, with cysteine, which is neutral and slightly polar, at codon 92 of the HMCN1 protein (p.Gly92Cys). In summary, the available evidence is currently insufficient to determine the role of this variant in disease. Therefore, it has been classified as a Variant of Uncertain Significance. Algorithms developed to predict the effect of missense changes on protein structure and function are either unavailable or do not agree on the potential impact of this missense change (SIFT: "Deleterious"; PolyPhen-2: "Probably Damaging"; Align-GVGD: "Class C0"). This variant has not been reported in the literature in individuals affected with HMCN1-related conditions. This variant is not present in population databases (gnomAD no frequency).

NM_031935.3(HMCN1):c.274G>T (p.Gly92Cys)

Gene: HMCN1 (hemicentin 1; plus strand). Cytogenetic location: 1q31.1.
Variant type: single nucleotide variant.
Coding change: c.274G>T on transcript NM_031935.3 (MANE Select); coding-DNA position 274, G replaced by T.
Protein change: p.Gly92Cys; replaces glycine 92 with cysteine.
Molecular consequence: missense variant.
Genome position (GRCh38, 1-based): chr1:185,846,031, G>T. VCF-style: chr1-185846031-G-T. GRCh37 (hg19) VCF-style: chr1-185815163-G-T.
Other names: short protein forms G92C.
Identifiers: ClinVar variation 2111060 (VCV002111060.4), dbSNP rs2526770615, ClinGen allele CA344058478.